The following is an entry in ClinVar:

ClinVar aggregate classification (germline): Likely benign. Review status: criteria provided, multiple submitters, no conflicts (2 of 4 stars). 2 submissions from 2 submitters: Likely benign (2). Last evaluated 2024-11-01.

Conditions:
RYR1-related disorder. Also called: RYR1-related disorders; RYR1-related condition. Identifiers: MedGen CN239331.

Allele frequency attached by ClinVar (database versions not stated): gnomAD exomes below 0.00001.
gnomAD v4.1: 1 of 1,614,156 alleles (0.000062%); highest among the groups gnomAD compares: Non-Finnish European, 0.000085%; no homozygotes.

Submissions (2):

CeGaT Center for Human Genetics Tuebingen
Classification: Likely benign. Last evaluated: 2024-11-01. Review status: criteria provided, single submitter. Criteria: CeGaT Center For Human Genetics Tuebingen Variant Classification Criteria Version 2. Collection method: clinical testing. Allele origin: germline. Affected: yes. Observed: 3 variant alleles.
Comment: RYR1: BP4, BP7

Labcorp Genetics (formerly Invitae), Labcorp
Classification: Likely benign for RYR1-related disorder. Last evaluated: 2023-10-14. Review status: criteria provided, single submitter. Criteria: Invitae Variant Classification Sherloc (09022015). Collection method: clinical testing. Allele origin: germline.

NM_000540.3(RYR1):c.7275C>T (p.Phe2425=)

Gene: RYR1 (ryanodine receptor 1; plus strand). Cytogenetic location: 19q13.2.
Variant type: single nucleotide variant.
Coding change: c.7275C>T on transcript NM_000540.3 (MANE Select); coding-DNA position 7275, C replaced by T.
Protein change: p.Phe2425=; no amino-acid change (phenylalanine 2425 retained).
Molecular consequence: synonymous variant.
Genome position (GRCh38, 1-based): chr19:38,499,968, C>T. VCF-style: chr19-38499968-C-T. GRCh37 (hg19) VCF-style: chr19-38990608-C-T.
Other names: c.7275C>T, p.Phe2425= (NM_001042723.2).
Identifiers: ClinVar variation 2578824 (VCV002578824.28), dbSNP rs2514315641, ClinGen allele CA507353759.